The following is an entry in ClinVar:

ClinVar aggregate classification (germline): Uncertain significance (1 of 4 stars; one submission).

Conditions:
Duchenne muscular dystrophy (DMD). Also called: MUSCULAR DYSTROPHY, PSEUDOHYPERTROPHIC PROGRESSIVE, DUCHENNE TYPE; Duchenne Muscular Dystrophy (DMD). Identifiers: Orphanet 98896, MedGen C0013264, MONDO:0010679, OMIM 310200.

Submission:

Labcorp Genetics (formerly Invitae), Labcorp
Classification: Uncertain significance for Duchenne muscular dystrophy. Last evaluated: 2021-07-08. Review status: criteria provided, single submitter. Criteria: Invitae Variant Classification Sherloc (09022015). Collection method: clinical testing. Allele origin: germline.
Comment: This sequence change falls in intron 37 of the DMD gene. It does not directly change the encoded amino acid sequence of the DMD protein. The frequency data for this variant in the population databases is considered unreliable, as metrics indicate insufficient coverage at this position in the ExAC database. This variant has been observed in individual(s) with muscular dystrophy (Invitae). Algorithms developed to predict the effect of sequence changes on RNA splicing suggest that this variant is not likely to affect RNA splicing. In summary, the available evidence is currently insufficient to determine the role of this variant in disease. Therefore, it has been classified as a Variant of Uncertain Significance.

NM_004006.3(DMD):c.5325+1730_5325+1758del

Gene: DMD (dystrophin; minus strand). Cytogenetic location: Xp21.1.
Variant type: Deletion.
Coding change: c.5325+1730_5325+1758del on transcript NM_004006.3 (MANE Select); bases 1730 to 1758 of the intron after coding-DNA position 5325, 29 bases deleted (TGTGGTTCACAGATATTAAAAAATGGGTA).
Molecular consequence: intron variant.
Genome position (GRCh38, 1-based): chrX:32,361,030-32,361,058, TACCCATTTTTTAATATCTGTGAACCACA deleted on the plus strand (TGTGGTTCACAGATATTAAAAAATGGGTA on the coding strand, the reverse complement: DMD is on the minus strand). VCF-style (leftmost placement, unchanged base first): chrX-32361029-CTACCCATTTTTTAATATCTGTGAACCACA-C. GRCh37 (hg19) VCF-style: chrX-32379146-CTACCCATTTTTTAATATCTGTGAACCACA-C.
Other names: c.5301+1730_5301+1758del (NM_000109.4); c.1302+1730_1302+1758del (NM_004011.4); c.1293+1730_1293+1758del (NM_004012.4); c.5313+1730_5313+1758del (NM_004009.3); c.4956+1730_4956+1758del (NM_004010.3).
Identifiers: ClinVar variation 1355056 (VCV001355056.6), dbSNP rs2147210128, ClinGen allele CA2573158558.